The following is an entry in ClinVar:

ClinVar aggregate classification (germline): Conflicting classifications of pathogenicity. Review status: criteria provided, conflicting classifications (1 of 4 stars). 2 submissions from 2 submitters: Likely pathogenic (1); Uncertain significance (1). Last evaluated 2025-12-09.

Conditions:
Cardiofaciocutaneous syndrome 1 (CFC1). Also called: BRAF-Related Cardiofaciocutaneous Syndrome; MAP2K1-Related Cardiofaciocutaneous Syndrome; KRAS-Related Cardiofaciocutaneous Syndrome; MAP2K2-Related Cardiofaciocutaneous Syndrome. Identifiers: Orphanet 1340, MedGen CN029449, MONDO:0007265, OMIM 115150. Disease mechanism: gain of function.
RASopathy. Also called: rasopathies; Noonan spectrum disorder. Identifiers: Orphanet 536391, MedGen C5555857, MONDO:0021060.

Submissions (2):

Labcorp Genetics (formerly Invitae), Labcorp
Classification: Uncertain significance for RASopathy. Last evaluated: 2025-12-09. Review status: criteria provided, single submitter. Criteria: Invitae Variant Classification Sherloc (09022015). Collection method: clinical testing. Allele origin: germline.
Comment: This sequence change replaces glycine, which is neutral and non-polar, with glutamic acid, which is acidic and polar, at codon 759 of the BRAF protein (p.Gly759Glu). This variant is not present in population databases (gnomAD no frequency). This variant has not been reported in the literature in individuals affected with BRAF-related conditions. ClinVar contains an entry for this variant (Variation ID: 802372). Invitae Evidence Modeling of protein sequence and biophysical properties (such as structural, functional, and spatial information, amino acid conservation, physicochemical variation, residue mobility, and thermodynamic stability) indicates that this missense variant is expected to disrupt BRAF protein function with a positive predictive value of 95%. In summary, the available evidence is currently insufficient to determine the role of this variant in disease. Therefore, it has been classified as a Variant of Uncertain Significance.

Mendelics
Classification: Likely pathogenic for Cardiofaciocutaneous syndrome 1. Last evaluated: 2019-05-28. Review status: criteria provided, single submitter. Criteria: Mendelics Assertion Criteria 2017. Collection method: clinical testing. Allele origin: unknown.

NM_004333.6(BRAF):c.2276G>A (p.Gly759Glu)

Gene: BRAF (B-Raf proto-oncogene, serine/threonine kinase; minus strand). Cytogenetic location: 7q34.
Variant type: single nucleotide variant.
Coding change: c.2276G>A on transcript NM_004333.6 (MANE Select); coding-DNA position 2276, G replaced by A.
Protein change: p.Gly759Glu; replaces glycine 759 with glutamic acid.
Molecular consequence: missense variant.
Genome position (GRCh38, 1-based): chr7:140,734,622, C>T on the plus strand (G>A on the coding strand, the complement: BRAF is on the minus strand). VCF-style: chr7-140734622-C-T. GRCh37 (hg19) VCF-style: chr7-140434422-C-T.
Other names: c.2396G>A, p.Gly799Glu (NM_001374258.1, NM_001374244.1); c.2276G>A, p.Gly759Glu (NM_001354609.2); short protein forms G799E, G759E.
Identifiers: ClinVar variation 802372 (VCV000802372.2), dbSNP rs1585930903, ClinGen allele CA369537014.
Genomic context (GRCh38, chr7:140,734,622, plus strand): 5'-GTTGCTACTCTCCTGAACTCTCTCACTCATTTGTTTCAGTGGACAGGAAACGCACCATAT[C>T]CCCCTGCCTGGATGGGTGTTTTTGGAGAAGCACAAGCATATAGACTAAAATCCTCTGTTT-3'
Protein context (NP_004324.2, residues 749-766): ASPKTPIQAG[Gly759Glu]YGAFPVH